The following is an entry in ClinVar:

ClinVar aggregate classification (germline): Benign/Likely benign. Review status: criteria provided, multiple submitters, no conflicts (2 of 4 stars). 4 submissions from 2 submitters: Benign (1); Likely benign (3). Last evaluated 2018-01-12.

Conditions:
Hereditary spherocytosis type 4. Also called: SLC4A1-Related Spherocytosis. Identifiers: Orphanet 822, MedGen C2675212, MONDO:0012981, OMIM 612653.
Autosomal dominant distal renal tubular acidosis (DRTA1). Also called: RTA, CLASSIC TYPE; RTA, DISTAL TYPE, AUTOSOMAL DOMINANT; RTA, GRADIENT TYPE; Renal Tubular Acidosis, Type I; RENAL TUBULAR ACIDOSIS, DISTAL, 1. Identifiers: Orphanet 93608, MedGen CN280572, MONDO:0008368, OMIM 179800.
Hemolytic anemia. Identifiers: MedGen C0002878, MONDO:0003664, HP:0001878.

Allele frequency attached by ClinVar (database versions not stated): gnomAD exomes 0.00159; gnomAD 0.00173 and 0.00200; TOPMed 0.00195; 1000 Genomes Project 0.00260; 1000 Genomes Project 30x 0.00297.
gnomAD v4.1: 1,678 of 985,398 alleles (0.17%); highest among the groups gnomAD compares: Middle Eastern, 2.4%; 8 homozygotes.

Submissions (4):

Illumina Laboratory Services, Illumina
Classification: Likely benign for Hereditary spherocytosis type 4. Last evaluated: 2018-01-12. Review status: criteria provided, single submitter. Criteria: ICSL Variant Classification Criteria 13 December 2019. Collection method: clinical testing. Allele origin: germline.
Comment: This variant was observed in the ICSL laboratory as part of a predisposition screen in an ostensibly healthy population. It had not been previously curated by ICSL or reported in the Human Gene Mutation Database (HGMD: prior to June 1st, 2018), and was therefore a candidate for classification through an automated scoring system. Utilizing variant allele frequency, disease prevalence and penetrance estimates, and inheritance mode, an automated score was calculated to assess if this variant is too frequent to cause the disease. Based on the score and internal cut-off values, a variant classified as likely benign is not then subjected to further curation. The score for this variant resulted in a classification of likely benign for this disease.

Illumina Laboratory Services, Illumina
Classification: Benign for Autosomal dominant distal renal tubular acidosis. Last evaluated: 2018-01-12. Review status: criteria provided, single submitter. Criteria: ICSL Variant Classification Criteria 13 December 2019. Collection method: clinical testing. Allele origin: germline.
Comment: This variant was observed in the ICSL laboratory as part of a predisposition screen in an ostensibly healthy population. It had not been previously curated by ICSL or reported in the Human Gene Mutation Database (HGMD: prior to June 1st, 2018), and was therefore a candidate for classification through an automated scoring system. Utilizing variant allele frequency, disease prevalence and penetrance estimates, and inheritance mode, an automated score was calculated to assess if this variant is too frequent to cause the disease. Based on the score and internal cut-off values, a variant classified as benign is not then subjected to further curation. The score for this variant resulted in a classification of benign for this disease.

Illumina Laboratory Services, Illumina
Classification: Likely benign for Hemolytic anemia. Last evaluated: 2018-01-12. Review status: criteria provided, single submitter. Criteria: ICSL Variant Classification Criteria 13 December 2019. Collection method: clinical testing. Allele origin: germline.
Comment: the same text as in the submission from Illumina Laboratory Services, Illumina above.

Breakthrough Genomics
Classification: Likely benign. Review status: criteria provided, single submitter. Criteria: ACMG Guidelines, 2015. Collection method: not provided. Allele origin: germline. Inheritance: Autosomal recessive inheritance. Affected: yes.

NM_000342.4(SLC4A1):c.-135G>A

Gene: SLC4A1 (solute carrier family 4 member 1 (Diego blood group); minus strand). Cytogenetic location: 17q21.31.
Variant type: single nucleotide variant.
Coding change: c.-135G>A on transcript NM_000342.4 (MANE Select); 135 bases upstream of the start codon, G replaced by A.
Molecular consequence: 5 prime UTR variant.
Genome position (GRCh38, 1-based): chr17:44,268,120, C>T on the plus strand (G>A on the coding strand, the complement: SLC4A1 is on the minus strand). VCF-style: chr17-44268120-C-T. GRCh37 (hg19) VCF-style: chr17-42345488-C-T.
Identifiers: ClinVar variation 323524 (VCV000323524.6), dbSNP rs183529485, ClinGen allele CA10650269.